The following is an entry in ClinVar:

NM_004364.5(CEBPA):c.716C>T (p.Pro239Leu)

Gene: CEBPA (CCAAT enhancer binding protein alpha; minus strand). Cytogenetic location: 19q13.11.
Variant type: single nucleotide variant.
Coding change: c.716C>T on transcript NM_004364.5 (MANE Select); coding-DNA position 716, C replaced by T.
Protein change: p.Pro239Leu; replaces proline 239 with leucine.
Molecular consequence: missense variant.
Genome position (GRCh38, 1-based): chr19:33,301,699, G>A on the plus strand (C>T on the coding strand, the complement: CEBPA is on the minus strand). VCF-style: chr19-33301699-G-A. GRCh37 (hg19) VCF-style: chr19-33792605-G-A.
Other names: c.716C>T (NM_004364.3); c.359C>T, p.Pro120Leu (NM_001285829.2); c.821C>T, p.Pro274Leu (NM_001287424.2); c.674C>T, p.Pro225Leu (NM_001287435.2); short protein forms P120L, P225L, P239L, P274L.
Identifiers: ClinVar variation 1061171 (VCV001061171.10), dbSNP rs2145260550, ClinGen allele CA405274355.

ClinVar aggregate classification (germline): Uncertain significance. Review status: criteria provided, multiple submitters, no conflicts (2 of 4 stars). 2 submissions from 2 submitters: Uncertain significance (2). Last evaluated 2026-01-10.

Conditions:
Acute myeloid leukemia (AML). Also called: Leukemia, acute myeloid, somatic; Leukemia, acute myelogenous, somatic; Acute myeloid leukemia, adult; AML adult; Acute non-lymphocytic leukemia; Acute granulocytic leukemia. Identifiers: Orphanet 519, MedGen C0023467, MeSH D015470, MONDO:0018874, OMIM 601626, HP:0004808. Disease mechanism: Constitutively activated FLT3.
Inborn genetic diseases. Identifiers: MedGen C0950123, MeSH D030342.

Submissions (2):

Ambry Genetics
Classification: Uncertain significance for Inborn genetic diseases. Last evaluated: 2026-01-10. Review status: criteria provided, single submitter. Criteria: Ambry Variant Classification Scheme 2023. Collection method: clinical testing. Allele origin: germline.
Comment: The p.P239L variant (also known as c.716C>T), located in coding exon 1 of the CEBPA gene, results from a C to T substitution at nucleotide position 716. The proline at codon 239 is replaced by leucine, an amino acid with similar properties. This amino acid position is conserved. In addition, this alteration is predicted to be tolerated by in silico analysis. Based on the available evidence, the clinical significance of this variant remains unclear.

Labcorp Genetics (formerly Invitae), Labcorp
Classification: Uncertain significance for Acute myeloid leukemia. Last evaluated: 2024-06-12. Review status: criteria provided, single submitter. Criteria: Invitae Variant Classification Sherloc (09022015). Collection method: clinical testing. Allele origin: germline.
Comment: This sequence change replaces proline, which is neutral and non-polar, with leucine, which is neutral and non-polar, at codon 239 of the CEBPA protein (p.Pro239Leu). This variant is not present in population databases (gnomAD no frequency). This variant has not been reported in the literature in individuals affected with CEBPA-related conditions. ClinVar contains an entry for this variant (Variation ID: 1061171). Advanced modeling of protein sequence and biophysical properties (such as structural, functional, and spatial information, amino acid conservation, physicochemical variation, residue mobility, and thermodynamic stability) performed at Invitae indicates that this missense variant is not expected to disrupt CEBPA protein function with a negative predictive value of 80%. In summary, the available evidence is currently insufficient to determine the role of this variant in disease. Therefore, it has been classified as a Variant of Uncertain Significance.